The following is an entry in ClinVar:

NM_004168.4(SDHA):c.1016C>T (p.Ser339Phe)

Gene: SDHA (succinate dehydrogenase complex flavoprotein subunit A; plus strand). Cytogenetic location: 5p15.33.
Variant type: single nucleotide variant.
Coding change: c.1016C>T on transcript NM_004168.4 (MANE Select); coding-DNA position 1016, C replaced by T.
Protein change: p.Ser339Phe; replaces serine 339 with phenylalanine.
Molecular consequence: missense variant.
Genome position (GRCh38, 1-based): chr5:233,597, C>T. VCF-style: chr5-233597-C-T. GRCh37 (hg19) VCF-style: chr5-233712-C-T.
Other names: c.872C>T, p.Ser291Phe (NM_001294332.2); c.1016C>T, p.Ser339Phe (NM_001330758.2); short protein forms S339F, S291F.
Identifiers: ClinVar variation 539633 (VCV000539633.10), dbSNP rs1553999043, ClinGen allele CA359012877.

ClinVar aggregate classification (germline): Uncertain significance (1 of 4 stars; one submission).

Conditions:
Mitochondrial complex II deficiency, nuclear type 1. Also called: SUCCINATE CoQ REDUCTASE DEFICIENCY. Identifiers: Orphanet 3208, MedGen C5700310, MONDO:0100294, OMIM 252011.
Pheochromocytoma/paraganglioma syndrome 5. Also called: Paragangliomas 5; SDHA-Related Hereditary Paraganglioma-Pheochromocytoma Syndrome. Identifiers: Orphanet 29072, MedGen C3279992, MONDO:0013602, OMIM 614165.

Allele frequency attached by ClinVar (database versions not stated): gnomAD 0.00001.

Submission:

Labcorp Genetics (formerly Invitae), Labcorp
Classification: Uncertain significance for Pheochromocytoma/paraganglioma syndrome 5; Mitochondrial complex II deficiency, nuclear type 1. Last evaluated: 2024-06-09. Review status: criteria provided, single submitter. Criteria: Invitae Variant Classification Sherloc (09022015). Collection method: clinical testing. Allele origin: germline.
Comment: This sequence change replaces serine, which is neutral and polar, with phenylalanine, which is neutral and non-polar, at codon 339 of the SDHA protein (p.Ser339Phe). This variant is not present in population databases (gnomAD no frequency). This variant has not been reported in the literature in individuals affected with SDHA-related conditions. ClinVar contains an entry for this variant (Variation ID: 539633). Advanced modeling of protein sequence and biophysical properties (such as structural, functional, and spatial information, amino acid conservation, physicochemical variation, residue mobility, and thermodynamic stability) has been performed at Invitae for this missense variant, however the output from this modeling did not meet the statistical confidence thresholds required to predict the impact of this variant on SDHA protein function. In summary, the available evidence is currently insufficient to determine the role of this variant in disease. Therefore, it has been classified as a Variant of Uncertain Significance.